The following is an entry in ClinVar:

NM_000104.4(CYP1B1):c.1345del (p.Asp449fs)

Genes: CYP1B1 (cytochrome P450 family 1 subfamily B member 1; minus strand), LOC128772254 (melanoma risk locus-associated MPRA allelic enhancer 2:38298139; plus strand). Cytogenetic location: 2p22.2.
Variant type: Deletion.
Coding change: c.1345del on transcript NM_000104.4 (MANE Select); coding-DNA position 1345, one base deleted (G; older notation c.1345delG).
Protein change: p.Asp449fs; shifts the reading frame from aspartic acid 449.
Molecular consequence: frameshift variant.
Genome position (GRCh38, 1-based): chr2:38,071,009, C deleted on the plus strand (G on the coding strand, the reverse complement: CYP1B1 is on the minus strand); the first of 2 consecutive C bases (chr2:38,071,009-38,071,010); deleting either gives the same sequence. VCF-style (leftmost placement, unchanged base first): chr2-38071008-TC-T. GRCh37 (hg19) VCF-style: chr2-38298151-TC-T.
Other names: c.1345delG (NM_000104.3); short protein forms D449fs.
Identifiers: ClinVar variation 456639 (VCV000456639.12), dbSNP rs749073455, ClinGen allele CA1619804.

ClinVar aggregate classification (germline): Pathogenic. Review status: criteria provided, multiple submitters, no conflicts (2 of 4 stars). 2 submissions from 2 submitters: Pathogenic (2). Last evaluated 2024-03-16.

Conditions:
Anterior segment dysgenesis 6 (ASGD6). Also called: Anterior segment dysgenesis 6, multiple subtypes. Identifiers: MedGen C4310623, MONDO:0015016, OMIM 617315.
Congenital glaucoma. Identifiers: MedGen C0020302, MONDO:0020366.

Submissions (2):

Labcorp Genetics (formerly Invitae), Labcorp
Classification: Pathogenic for Congenital glaucoma. Last evaluated: 2024-03-16. Review status: criteria provided, single submitter. Criteria: Invitae Variant Classification Sherloc (09022015). Collection method: clinical testing. Allele origin: germline.
Comment: This sequence change creates a premature translational stop signal (p.Asp449Metfs*8) in the CYP1B1 gene. While this is not anticipated to result in nonsense mediated decay, it is expected to disrupt the last 95 amino acid(s) of the CYP1B1 protein. This variant is present in population databases (rs749073455, gnomAD 0.009%). This premature translational stop signal has been observed in individual(s) with primary congenital glaucoma (PMID: 2782041, 9497261, 12036985, 14635112, 16735994). In at least one individual the data is consistent with being in trans (on the opposite chromosome) from a pathogenic variant. This variant is also known as 8182delG (PMID: 16735994). ClinVar contains an entry for this variant (Variation ID: 456639). For these reasons, this variant has been classified as Pathogenic.

Baylor Genetics
Classification: Pathogenic for Anterior segment dysgenesis 6. Last evaluated: 2024-01-20. Review status: criteria provided, single submitter. Criteria: ACMG Guidelines, 2015. Collection method: clinical testing. Allele origin: unknown.

Literature cited by the submitters: PubMed 2782041 (cited by Labcorp Genetics (formerly Invitae), Labcorp); PubMed 9497261 (cited by Labcorp Genetics (formerly Invitae), Labcorp); PubMed 12036985 (cited by Labcorp Genetics (formerly Invitae), Labcorp); PubMed 14635112 (cited by Labcorp Genetics (formerly Invitae), Labcorp); PubMed 16735994 (cited by Labcorp Genetics (formerly Invitae), Labcorp).